The following is an entry in ClinVar:

ClinVar aggregate classification (germline): Benign/Likely benign. Review status: criteria provided, multiple submitters, no conflicts (2 of 4 stars). 25 submissions from 25 submitters: Benign (6); Likely benign (11). 8 of the submissions do not count toward it. Last evaluated 2026-07-01.

Conditions:
Classic or attenuated familial adenomatous polyposis. Identifiers: MedGen CN372698, MONDO:0021057.
Hereditary cancer-predisposing syndrome. Also called: Neoplastic Syndromes, Hereditary; Hereditary Cancer Syndrome; Tumor predisposition; Hereditary neoplastic syndrome. Identifiers: Orphanet 140162, MedGen C0027672, MeSH D009386, MONDO:0015356.
Familial adenomatous polyposis 1 (FAP1). Also called: FAMILIAL ADENOMATOUS POLYPOSIS 1, ATTENUATED; POLYPOSIS, ADENOMATOUS INTESTINAL. Identifiers: MedGen C2713442, MONDO:0021056, OMIM 175100. Disease mechanism: loss of function.

Allele frequency attached by ClinVar (database versions not stated): 1000 Genomes Project 30x 0.00031; 1000 Genomes Project 0.00040; TOPMed 0.00079; ExAC 0.00082; gnomAD exomes 0.00082 and 0.00134; gnomAD 0.00093 and 0.00095; ESP Exome Variant Server 0.00115.
gnomAD v4.1: 2,060 of 1,613,984 alleles (0.13%); highest among the groups gnomAD compares: Non-Finnish European, 0.16%; 6 homozygotes.

Submissions (25):

CeGaT Center for Human Genetics Tuebingen
Classification: Likely benign. Last evaluated: 2026-07-01. Review status: criteria provided, single submitter. Criteria: CeGaT Center For Human Genetics Tuebingen Variant Classification Criteria Version 2. Collection method: clinical testing. Allele origin: germline. Affected: yes. Observed: 16 variant alleles.
Comment: APC: BS1

Labcorp Genetics (formerly Invitae), Labcorp
Classification: Benign for Familial adenomatous polyposis 1. Last evaluated: 2026-02-04. Review status: criteria provided, single submitter. Criteria: Invitae Variant Classification Sherloc (09022015). Collection method: clinical testing. Allele origin: germline.

Center for Genomic Medicine, Rigshospitalet, Copenhagen University Hospital
Classification: Likely benign. Last evaluated: 2025-03-04. Review status: criteria provided, single submitter. Criteria: ACMG Guidelines, 2015. Collection method: clinical testing. Allele origin: germline.

Blueprint Genetics
Classification: Likely benign. Last evaluated: 2024-11-11. Review status: criteria provided, single submitter. Criteria: ACMG Guidelines, 2015. Collection method: clinical testing. Allele origin: germline.

All of Us Research Program, National Institutes of Health
Classification: Likely benign for Classic or attenuated familial adenomatous polyposis. Last evaluated: 2024-09-26. Review status: criteria provided, single submitter. Criteria: ACMG Guidelines, 2015. Collection method: clinical testing. Allele origin: germline. Inheritance: Autosomal dominant inheritance. Observed: 346 variant alleles, 346 heterozygotes.
Comment: This study involves interpretation of variants in research participants for the purpose of population health screening. Participant phenotype was not available at the time of variant classification. Additional details can be found in publication PMID: 35346344, PMCID: PMC8962531

Institute for Biomarker Research, Medical Diagnostic Laboratories, L.L.C.
Classification: Benign for Hereditary cancer-predisposing syndrome. Last evaluated: 2024-04-16. Review status: criteria provided, single submitter. Criteria: ACMG Guidelines, 2015. Collection method: clinical testing. Allele origin: germline.

Myriad Genetics, Inc.
Classification: Benign for Familial adenomatous polyposis 1. Last evaluated: 2024-04-09. Review status: criteria provided, single submitter. Criteria: Myriad Autosomal Dominant, Autosomal Recessive and X-Linked Classification Criteria (2023). Collection method: clinical testing. Allele origin: unknown.
Comment: This variant is considered benign. This variant has been observed in conjunction with multiple pathogenic variants, reducing the likelihood this variant itself is pathogenic. This variant is strongly associated with less severe personal and family histories of cancer, typical for individuals without pathogenic variants in this gene [PMID: 25085752].

Quest Diagnostics Nichols Institute San Juan Capistrano
Classification: Benign. Last evaluated: 2022-11-01. Review status: criteria provided, single submitter. Criteria: Quest Diagnostics criteria. Collection method: clinical testing. Allele origin: unknown.

Institute for Clinical Genetics, University Hospital TU Dresden, University Hospital TU Dresden
Classification: Likely benign. Last evaluated: 2021-11-03. Review status: criteria provided, single submitter. Criteria: ACMG Guidelines, 2015. Collection method: clinical testing. Allele origin: germline.

ARUP Laboratories, Molecular Genetics and Genomics, ARUP Laboratories
Classification: Likely benign. Last evaluated: 2021-08-30. Review status: criteria provided, single submitter. Criteria: ARUP Molecular Germline Variant Investigation Process 2021. Collection method: clinical testing. Allele origin: germline.

Sema4
Classification: Benign for Hereditary cancer-predisposing syndrome. Last evaluated: 2020-10-15. Review status: criteria provided, single submitter. Criteria: Sema4 Curation Guidelines. Collection method: curation. Allele origin: germline.

Mendelics
Classification: Likely benign for Familial adenomatous polyposis 1. Last evaluated: 2019-05-28. Review status: criteria provided, single submitter. Criteria: Mendelics Assertion Criteria 2017. Collection method: clinical testing. Allele origin: unknown.

Ambry Genetics
Classification: Likely benign for Hereditary cancer-predisposing syndrome. Last evaluated: 2018-07-31. Review status: criteria provided, single submitter. Criteria: Ambry Variant Classification Scheme 2023. Collection method: clinical testing. Allele origin: germline.

GeneDx
Classification: Likely benign. Last evaluated: 2018-02-19. Review status: criteria provided, single submitter. Criteria: GeneDx Variant Classification (06012015). Collection method: clinical testing. Allele origin: germline. Affected: yes.
Comment: This variant is considered likely benign or benign based on one or more of the following criteria: it is a conservative change, it occurs at a poorly conserved position in the protein, it is predicted to be benign by multiple in silico algorithms, and/or has population frequency not consistent with disease.

PreventionGenetics, part of Exact Sciences
Classification: Likely benign. Last evaluated: 2017-02-20. Review status: criteria provided, single submitter. Criteria: ACMG Guidelines, 2015. Collection method: clinical testing. Allele origin: germline.

Color Diagnostics, LLC DBA Color Health
Classification: Likely benign for Hereditary cancer-predisposing syndrome. Last evaluated: 2016-05-20. Review status: criteria provided, single submitter. Criteria: ACMG Guidelines, 2015. Collection method: clinical testing. Allele origin: germline.

Women's Health and Genetics/Laboratory Corporation of America, LabCorp
Classification: Benign. Last evaluated: 2016-03-14. Review status: criteria provided, single submitter. Criteria: LabCorp Variant Classification Summary - May 2015. Collection method: clinical testing. Allele origin: germline.
Comment: Variant summary: The APC c.7514G>A variant affects a conserved nucleotide, resulting in amino acid change from Arg to Gln. 2/4 in-silico tools predict this variant to be benign (SNPs&GO not captured due to low reliability index). This variant was found in 102/125206 control chromosomes (1 homozygote) at a frequency of 0.0008147, which is about 14 times the maximal expected frequency of a pathogenic APC allele (0.0000602), suggesting this variant is benign. Thie variant has been reported in patients with MAP/FAP, CRC or pancreatic cancer. In one CRC family, this variant did not co-segregate with the disease (Zhou_2004), highly suggesting this variant is not causative. In addition, multiple clinical laboratories classified this variant as benign/likely benign. Taken together, this variant was classified as benign.

True Health Diagnostics
Classification: Likely benign for Hereditary cancer-predisposing syndrome. Last evaluated: 2017-07-31. Review status: no assertion criteria provided. Collection method: clinical testing. Allele origin: germline. Not counted in ClinVar's aggregate classification.

Clinical Genetics DNA and cytogenetics Diagnostics Lab, Erasmus MC, Erasmus Medical Center
Classification: Benign. Review status: no assertion criteria provided. Collection method: clinical testing. Allele origin: germline. Affected: yes. Study: VKGL Data-share Consensus. Not counted in ClinVar's aggregate classification.

Clinical Genetics, Academic Medical Center
Classification: Likely benign. Review status: no assertion criteria provided. Collection method: clinical testing. Allele origin: germline. Affected: yes. Study: VKGL Data-share Consensus. Not counted in ClinVar's aggregate classification.

Department of Pathology and Laboratory Medicine, Sinai Health System
Classification: Likely benign. Review status: no assertion criteria provided. Collection method: clinical testing. Allele origin: unknown. Affected: yes. Observed: 2 variant alleles. Study: The Canadian Open Genetics Repository (COGR). Not counted in ClinVar's aggregate classification.
Comment: The p.Arg2505Gln variant was identified in 4 of 2376 proband chromosomes (frequency: 0.002) from individuals with colorectal adenomas or colorectal cancer (Azzopardi 2008, Lefevre 2012, Zhou 2004) and was present in 2 of 3862 control chromosomes (frequency: 0.001). The variant was also listed at a frequency of 0.001 in the â€šÃ„ÃºNHLBI Exome Sequencing Projectâ€šÃ„Ã¹, increasing the likelihood that this may be a low frequency benign variant in certain populations of origin. In a study by Zhou (2004), the variant was found incidentally in two members of a family with hereditary colorectal cancer but did not segregate with disease in other affected family members. The variant was listed in dbSNP (ID: rs147549623) and the â€šÃ„ÃºInSiGHT Colon Cancer Databaseâ€šÃ„Ã¹, but was not identified in other databases searched, including HGMD, UMD and COSMIC. The p.Arg2505 residue is conserved in mammals and lower organisms; however, computational analyses (PolyPhen-2, SIFT, AlignGVGD) provide inconsistent predictions regarding the impact of the variant amino acid to the protein and this information is not very predictive of pathogenicity. Additional study is needed to determine the clinical significance of this variant. In summary, based on the above information, the clinical significance of this variant cannot be determined with certainty at this time although we would lean towards a more benign role for this variant. This variant is classified as predicted benign.

Diagnostic Laboratory, Department of Genetics, University Medical Center Groningen
Classification: Likely benign. Review status: no assertion criteria provided. Collection method: clinical testing. Allele origin: germline. Affected: yes. Study: VKGL Data-share Consensus. Not counted in ClinVar's aggregate classification.

Genome Diagnostics Laboratory, Amsterdam University Medical Center
Classification: Likely benign. Review status: no assertion criteria provided. Collection method: clinical testing. Allele origin: germline. Affected: yes. Study: VKGL Data-share Consensus. Not counted in ClinVar's aggregate classification.

Joint Genome Diagnostic Labs from Nijmegen and Maastricht, Radboudumc and MUMC+
Classification: Likely benign. Review status: no assertion criteria provided. Collection method: clinical testing. Allele origin: germline. Affected: yes. Study: VKGL Data-share Consensus. Not counted in ClinVar's aggregate classification.

Laboratory of Diagnostic Genome Analysis, Leiden University Medical Center (LUMC)
Classification: Likely benign. Review status: no assertion criteria provided. Collection method: clinical testing. Allele origin: germline. Affected: yes. Study: VKGL Data-share Consensus. Not counted in ClinVar's aggregate classification.

Literature cited by the submitters: PubMed 25085752 (cited by Myriad Genetics, Inc.); PubMed 27284491 (cited by Quest Diagnostics Nichols Institute San Juan Capistrano and Ambry Genetics); PubMed 18199528 (cited by Quest Diagnostics Nichols Institute San Juan Capistrano and Women's Health and Genetics/Laboratory Corporation of America, LabCorp); PubMed 15122587 (cited by Quest Diagnostics Nichols Institute San Juan Capistrano and Women's Health and Genetics/Laboratory Corporation of America, LabCorp); PubMed 22875147 (cited by Quest Diagnostics Nichols Institute San Juan Capistrano and Women's Health and Genetics/Laboratory Corporation of America, LabCorp); PubMed 24082139 (cited by Quest Diagnostics Nichols Institute San Juan Capistrano); PubMed 21901162 (cited by Quest Diagnostics Nichols Institute San Juan Capistrano); PubMed 32635641 (cited by Quest Diagnostics Nichols Institute San Juan Capistrano); PubMed 25479140 (cited by Quest Diagnostics Nichols Institute San Juan Capistrano and Women's Health and Genetics/Laboratory Corporation of America, LabCorp); PubMed 21859464 (cited by Women's Health and Genetics/Laboratory Corporation of America, LabCorp); PubMed 25801821 (cited by Women's Health and Genetics/Laboratory Corporation of America, LabCorp).

NM_000038.6(APC):c.7514G>A (p.Arg2505Gln)

Gene: APC (APC regulator of Wnt signaling pathway; plus strand). Cytogenetic location: 5q22.2.
Variant type: single nucleotide variant.
Coding change: c.7514G>A on transcript NM_000038.6 (MANE Select); coding-DNA position 7514, G replaced by A.
Protein change: p.Arg2505Gln; replaces arginine 2505 with glutamine.
Molecular consequence: missense variant.
Genome position (GRCh38, 1-based): chr5:112,843,108, G>A. VCF-style: chr5-112843108-G-A. GRCh37 (hg19) VCF-style: chr5-112178805-G-A.
Other names: p.R2505Q:CGA>CAA; CCDS4107.1:c.7514G>A; c.7514G>A, p.Arg2505Gln (NM_001127510.3, NM_001354895.2); c.7460G>A, p.Arg2487Gln (NM_001127511.3); c.7568G>A, p.Arg2523Gln (NM_001354896.2); c.7544G>A, p.Arg2515Gln (NM_001354897.2); c.7439G>A, p.Arg2480Gln (NM_001354898.2); c.7430G>A, p.Arg2477Gln (NM_001354899.2); and 7 more; short protein forms R2505Q, R2487Q, R2446Q, R2477Q, R2523Q, R2480Q, R2222Q, R2379Q.
Identifiers: ClinVar variation 127319 (VCV000127319.92), dbSNP rs147549623, ClinGen allele CA013752.